The following is an entry in ClinVar:

ClinVar aggregate classification (germline): Uncertain significance. Review status: criteria provided, multiple submitters, no conflicts (2 of 4 stars). 2 submissions from 2 submitters: Uncertain significance (2). Last evaluated 2024-04-04.

Conditions:
Donnai-Barrow syndrome. Also called: DBS/FOAR SYNDROME; FACIOOCULOACOUSTICORENAL SYNDROME. Identifiers: Orphanet 2143, MedGen C1857277, MONDO:0009104, OMIM 222448.

Allele frequency attached by ClinVar (database versions not stated): gnomAD exomes 0.00001; ExAC 0.00002.
gnomAD v4.1: 7 of 1,614,096 alleles (0.00043%); highest among the groups gnomAD compares: South Asian, 0.0033%; no homozygotes.

Submissions (2):

Genomic Medicine Center of Excellence, King Faisal Specialist Hospital and Research Centre
Classification: Uncertain significance for Donnai-Barrow syndrome. Last evaluated: 2024-04-04. Review status: criteria provided, single submitter. Criteria: ACMG Guidelines, 2015. Collection method: clinical testing. Allele origin: germline.

Labcorp Genetics (formerly Invitae), Labcorp
Classification: Uncertain significance. Last evaluated: 2021-09-02. Review status: criteria provided, single submitter. Criteria: Invitae Variant Classification Sherloc (09022015). Collection method: clinical testing. Allele origin: germline.
Comment: This sequence change replaces glycine with arginine at codon 2623 of the LRP2 protein (p.Gly2623Arg). The glycine residue is highly conserved and there is a moderate physicochemical difference between glycine and arginine. This variant is present in population databases (rs762220953, ExAC 0.009%). This variant has not been reported in the literature in individuals affected with LRP2-related conditions. Advanced modeling of protein sequence and biophysical properties (such as structural, functional, and spatial information, amino acid conservation, physicochemical variation, residue mobility, and thermodynamic stability) performed at Invitae indicates that this missense variant is expected to disrupt LRP2 protein function. Algorithms developed to predict the effect of sequence changes on RNA splicing suggest that this variant may create or strengthen a splice site. In summary, the available evidence is currently insufficient to determine the role of this variant in disease. Therefore, it has been classified as a Variant of Uncertain Significance.

NM_004525.3(LRP2):c.7867G>A (p.Gly2623Arg)

Gene: LRP2 (LDL receptor related protein 2; minus strand). Cytogenetic location: 2q31.1.
Variant type: single nucleotide variant.
Coding change: c.7867G>A on transcript NM_004525.3 (MANE Select); coding-DNA position 7867, G replaced by A.
Protein change: p.Gly2623Arg; replaces glycine 2623 with arginine.
Molecular consequence: missense variant.
Genome position (GRCh38, 1-based): chr2:169,204,120, C>T on the plus strand (G>A on the coding strand, the complement: LRP2 is on the minus strand). VCF-style: chr2-169204120-C-T. GRCh37 (hg19) VCF-style: chr2-170060630-C-T.
Other names: short protein forms G2623R.
Identifiers: ClinVar variation 1460744 (VCV001460744.4), dbSNP rs762220953, ClinGen allele CA1953990.